The following is an entry in ClinVar:

ClinVar aggregate classification (germline): Pathogenic (1 of 4 stars; one submission).

Conditions:
Neurofibromatosis, type 1 (NF1). Also called: VON RECKLINGHAUSEN DISEASE; NEUROFIBROMATOSIS, TYPE I, SOMATIC; Neurofibromatosis, type I; Peripheral type neurofibromatosis. Identifiers: Orphanet 636, MedGen C0027831, MONDO:0018975, OMIM 162200. Disease mechanism: loss of function.

Submission:

Labcorp Genetics (formerly Invitae), Labcorp
Classification: Pathogenic for Neurofibromatosis, type 1. Last evaluated: 2022-09-18. Review status: criteria provided, single submitter. Criteria: Invitae Variant Classification Sherloc (09022015). Collection method: clinical testing. Allele origin: germline.
Comment: This sequence change replaces leucine, which is neutral and non-polar, with proline, which is neutral and non-polar, at codon 249 of the NF1 protein (p.Leu249Pro). Information on the frequency of this variant in the gnomAD database is not available, as this variant may be reported differently in the database. This missense change has been observed in individual(s) with clinical features of NF1-related conditions (PMID: 26056819, 33443663; Invitae). In at least one individual the variant was observed to be de novo. Algorithms developed to predict the effect of missense changes on protein structure and function are either unavailable or do not agree on the potential impact of this missense change (SIFT: "Not Available"; PolyPhen-2: "Possibly Damaging"; Align-GVGD: "Not Available"). For these reasons, this variant has been classified as Pathogenic.

Literature cited by the submitters: PubMed 26056819; PubMed 33443663.

NM_001042492.3(NF1):c.746_747delinsCT (p.Leu249Pro)

Gene: NF1 (neurofibromin 1; plus strand). Cytogenetic location: 17q11.2.
Variant type: Indel.
Coding change: c.746_747delinsCT on transcript NM_001042492.3 (MANE Select); coding-DNA positions 746 to 747, TA replaced by CT.
Protein change: p.Leu249Pro; replaces leucine 249 with proline.
Molecular consequence: missense variant.
Genome position (GRCh38, 1-based): chr17:31,182,523-31,182,524, TA replaced by CT. VCF-style: chr17-31182523-TA-CT. GRCh37 (hg19) VCF-style: chr17-29509541-TA-CT.
Other names: c.746_747delTAinsCT, p.Leu249Pro (NM_000267.4); c.746_747delinsCT, p.Leu249Pro (NM_001128147.3); short protein forms L249P.
Identifiers: ClinVar variation 2031060 (VCV002031060.4), dbSNP rs2544753194, ClinGen allele CA2580092868.